The following is an entry in ClinVar:

ClinVar aggregate classification (germline): Uncertain significance (1 of 4 stars; one submission).

Submission:

Labcorp Genetics (formerly Invitae), Labcorp
Classification: Uncertain significance. Last evaluated: 2025-12-23. Review status: criteria provided, single submitter. Criteria: Invitae Variant Classification Sherloc (09022015). Collection method: clinical testing. Allele origin: germline.
Comment: This sequence change replaces proline, which is neutral and non-polar, with alanine, which is neutral and non-polar, at codon 182 of the MAGEL2 protein (p.Pro182Ala). This variant is not present in population databases (gnomAD no frequency). This variant has not been reported in the literature in individuals affected with MAGEL2-related conditions. Experimental studies and prediction algorithms are not available or were not evaluated, and the functional significance of this variant is currently unknown. In summary, the available evidence is currently insufficient to determine the role of this variant in disease. Therefore, it has been classified as a Variant of Uncertain Significance.

NM_019066.5(MAGEL2):c.544C>G (p.Pro182Ala)

Gene: MAGEL2 (MAGE family member L2; minus strand). Cytogenetic location: 15q11.2.
Variant type: single nucleotide variant.
Coding change: c.544C>G on transcript NM_019066.5 (MANE Select); coding-DNA position 544, C replaced by G.
Protein change: p.Pro182Ala; replaces proline 182 with alanine.
Molecular consequence: missense variant.
Genome position (GRCh38, 1-based): chr15:23,647,199, G>C on the plus strand (C>G on the coding strand, the complement: MAGEL2 is on the minus strand). VCF-style: chr15-23647199-G-C. GRCh37 (hg19) VCF-style: chr15-23892346-G-C.
Other names: short protein forms P182A.
Identifiers: ClinVar variation 4734014 (VCV004734014.1).